The following is an entry in ClinVar:

NM_001378615.1(CC2D2A):c.4815T>C (p.Asn1605=)

Genes: CC2D2A (coiled-coil and C2 domain containing 2A; plus strand), FBXL5 (F-box and leucine rich repeat protein 5; minus strand). Cytogenetic location: 4p15.32.
Variant type: single nucleotide variant.
Coding change: c.4815T>C on transcript NM_001378615.1 (MANE Select); coding-DNA position 4815, T replaced by C.
Protein change: p.Asn1605=; no amino-acid change (asparagine 1605 retained).
Molecular consequence: synonymous variant.
Genome position (GRCh38, 1-based): chr4:15,601,377, T>C. VCF-style: chr4-15601377-T-C. GRCh37 (hg19) VCF-style: chr4-15603000-T-C.
Other names: c.4815T>C, p.Asn1605= (NM_001080522.2); c.4668T>C, p.Asn1556= (NM_001378617.1).
Identifiers: ClinVar variation 596566 (VCV000596566.16), dbSNP rs370146822, ClinGen allele CA2864485.
Genomic context (GRCh38, chr4:15,601,377, plus strand): 5'-TATTGATGTTCCTAATGTTGAATTTGCTTTAGCTGTATACATACACCCATACCCCAAAAA[T>C]GTTTTGTCTGTTTGGATCTATGTTGCCTCTCTTATACGCAACAGGTAATTTTTTTCACTG-3'
Protein context (NP_001365544.1, residues 1595-1615): LAVYIHPYPK[Asn1605=]VLSVWIYVAS

ClinVar aggregate classification (germline): Conflicting classifications of pathogenicity. Review status: criteria provided, conflicting classifications (1 of 4 stars). 4 submissions from 4 submitters: Uncertain significance (1); Likely benign (3). Last evaluated 2026-09-08.

Conditions:
Meckel-Gruber syndrome. Also called: Dysencephalia splachnocystica; DYSENCEPHALIA SPLANCHNOCYSTICA; GRUBER SYNDROME. Identifiers: Orphanet 564, MedGen C0265215, MONDO:0018921.
Joubert syndrome. Also called: Familial aplasia of the vermis; JOUBERT-BOLTSHAUSER SYNDROME. Identifiers: Orphanet 475, MedGen C5979921, MONDO:0018772.
CC2D2A-related disorder. Also called: CC2D2A-related disorders; CC2D2A-related condition. Identifiers: MedGen CN239313.

Allele frequency attached by ClinVar (database versions not stated): gnomAD exomes 0.00002 and 0.00003; ExAC 0.00004; TOPMed 0.00016; ESP Exome Variant Server 0.00017; gnomAD 0.00017 and 0.00018.
gnomAD v4.1: 59 of 1,579,238 alleles (0.0037%); highest among the groups gnomAD compares: African/African-American, 0.07%; no homozygotes.

Submissions (4):

PreventionGenetics, part of Exact Sciences
Classification: Likely benign for CC2D2A-related condition. Last evaluated: 2026-09-08. Review status: criteria provided, single submitter. Criteria: ACMG Guidelines, 2015. Collection method: clinical testing. Allele origin: germline.
Comment: This variant is classified as likely benign based on ACMG/AMP sequence variant interpretation guidelines (Richards et al. 2015 PMID: 25741868, with internal and published modifications).

Labcorp Genetics (formerly Invitae), Labcorp
Classification: Likely benign for Joubert syndrome; Meckel-Gruber syndrome. Last evaluated: 2025-04-27. Review status: criteria provided, single submitter. Criteria: Invitae Variant Classification Sherloc (09022015). Collection method: clinical testing. Allele origin: germline.

Blueprint Genetics
Classification: Likely benign. Last evaluated: 2022-11-18. Review status: criteria provided, single submitter. Criteria: ACMG Guidelines, 2015. Collection method: clinical testing. Allele origin: germline.

Eurofins Ntd Llc (ga)
Classification: Uncertain significance. Last evaluated: 2018-03-19. Review status: criteria provided, single submitter. Criteria: EGL ClinVar v180209 classification definitions. Collection method: clinical testing. Allele origin: germline. Observed: 1 variant allele, 1 heterozygote.